The following is an entry in ClinVar:

ClinVar aggregate classification (germline): Uncertain significance (1 of 4 stars; one submission).

Conditions:
Autosomal recessive ataxia, Beauce type. Also called: Spinocerebellar ataxia, autosomal recessive 8; ATAXIA, RECESSIVE, OF BEAUCE; SYNE1 Deficiency; SYNE1-Related Autosomal Recessive Cerebellar Ataxia. Identifiers: Orphanet 88644, MedGen C1853116, MONDO:0012549, OMIM 610743.
Emery-Dreifuss muscular dystrophy 4, autosomal dominant (EDMD4). Also called: EMERY-DREIFUSS MUSCULAR DYSTROPHY 4 WITH VARIABLE FEATURES. Identifiers: Orphanet 261, MedGen C2751807, MONDO:0013071, OMIM 612998.

Submission:

Labcorp Genetics (formerly Invitae), Labcorp
Classification: Uncertain significance for Emery-Dreifuss muscular dystrophy 4, autosomal dominant; Autosomal recessive ataxia, Beauce type. Last evaluated: 2022-02-03. Review status: criteria provided, single submitter. Criteria: Invitae Variant Classification Sherloc (09022015). Collection method: clinical testing. Allele origin: germline.
Comment: Experimental studies and prediction algorithms are not available or were not evaluated, and the functional significance of this variant is currently unknown. In summary, the available evidence is currently insufficient to determine the role of this variant in disease. Therefore, it has been classified as a Variant of Uncertain Significance. This variant has not been reported in the literature in individuals affected with SYNE1-related conditions. This variant results in a copy number gain of the genomic region encompassing exon(s) 122-146 of the SYNE1 gene. This region includes the termination codon of the gene. This copy number gain extends beyond the assayed region for this gene and therefore may encompass additional genes. As the precise location of this event is unknown, it may be in tandem or it may be located elsewhere in the genome.

NC_000006.11:g.(?_152443551)_(152534914_?)dup

Genes: ESR1 (estrogen receptor 1; plus strand), SYNE1 (spectrin repeat containing nuclear envelope protein 1; minus strand), LOC129389688 (MPRA-validated peak6220 silencer; plus strand), LOC129997477 (ATAC-STARR-seq lymphoblastoid active region 25285; plus strand), LOC129997478 (ATAC-STARR-seq lymphoblastoid silent region 17689; plus strand). Cytogenetic location: 6q25.2.
Variant type: Duplication.
Identifiers: ClinVar variation 644270 (VCV000644270.7).